The following is an entry in ClinVar:

NM_005633.4(SOS1):c.787A>G (p.Ile263Val)

Gene: SOS1 (SOS Ras/Rac guanine nucleotide exchange factor 1; minus strand). Cytogenetic location: 2p22.1.
Variant type: single nucleotide variant.
Coding change: c.787A>G on transcript NM_005633.4 (MANE Select); coding-DNA position 787, A replaced by G.
Protein change: p.Ile263Val; replaces isoleucine 263 with valine.
Molecular consequence: missense variant.
Genome position (GRCh38, 1-based): chr2:39,051,221, T>C on the plus strand (A>G on the coding strand, the complement: SOS1 is on the minus strand). VCF-style: chr2-39051221-T-C. GRCh37 (hg19) VCF-style: chr2-39278362-T-C.
Other names: c.766A>G, p.Ile256Val (NM_001382394.1); c.787A>G, p.Ile263Val (NM_001382395.1); short protein forms I256V, I263V.
Identifiers: ClinVar variation 1760987 (VCV001760987.2), dbSNP rs2529155098, ClinGen allele CA346367714.
Genomic context (GRCh38, chr2:39,051,221, plus strand): 5'-AGCAGCTTCCTACTAGTGGATGGGGACTGCCTTCATCTGTCATTTCTACTGTATCTTCTA[T>C]ATGGCCCAGTAACTTTACACTAAGTTCATGTATATCTACTATGCGACTAAATATATTTTC-3'
Protein context (NP_005624.2, residues 253-273): HELSVKLLGH[Ile263Val]EDTVEMTDEG

ClinVar aggregate classification (germline): Uncertain significance (1 of 4 stars; one submission).

Conditions:
Cardiovascular phenotype. Identifiers: MedGen CN230736.

Submission:

Ambry Genetics
Classification: Uncertain significance for Cardiovascular phenotype. Last evaluated: 2020-10-27. Review status: criteria provided, single submitter. Criteria: Ambry Variant Classification Scheme 2023. Collection method: clinical testing. Allele origin: germline.
Comment: The p.I263V variant (also known as c.787A>G), located in coding exon 6 of the SOS1 gene, results from an A to G substitution at nucleotide position 787. The isoleucine at codon 263 is replaced by valine, an amino acid with highly similar properties. This amino acid position is well conserved in available vertebrate species. In addition, the in silico prediction for this alteration is inconclusive. Since supporting evidence is limited at this time, the clinical significance of this alteration remains unclear.